The following is an entry in ClinVar:

NM_152618.3(BBS12):c.1681_1683del (p.Glu561del)

Gene: BBS12 (Bardet-Biedl syndrome 12; plus strand). Cytogenetic location: 4q27.
Variant type: Deletion.
Coding change: c.1681_1683del on transcript NM_152618.3 (MANE Select); coding-DNA positions 1681 to 1683, 3 bases deleted (GAA; older notation c.1681_1683delGAA).
Protein change: p.Glu561del; deletes glutamic acid 561.
Molecular consequence: inframe deletion.
Genome position (GRCh38, 1-based): chr4:122,743,573-122,743,575, GAA deleted; deleting any 3 consecutive bases within chr4:122,743,571-122,743,575 gives the same sequence; the c. name uses the placement nearest the transcript's 3' end. VCF-style (leftmost placement, unchanged base first): chr4-122743570-AAAG-A. GRCh37 (hg19) VCF-style: chr4-123664725-AAAG-A.
Other names: c.1681_1683del, p.Glu561del (NM_001178007.2); short protein forms E561del.
Identifiers: ClinVar variation 552099 (VCV000552099.7), dbSNP rs1490785954, ClinGen allele CA554527004.

ClinVar aggregate classification (germline): Uncertain significance. Review status: criteria provided, single submitter (1 of 4 stars). 2 submissions from 2 submitters: Uncertain significance (1). 1 of the submissions does not count toward it. Last evaluated 2021-08-28.

Conditions:
Bardet-Biedl syndrome (BBS). Identifiers: Orphanet 110, MedGen C0752166, MONDO:0015229.
Bardet-Biedl syndrome 12 (BBS12). Identifiers: Orphanet 110, MedGen C1859570, MONDO:0014440, OMIM 615989.

Submissions (2):

Labcorp Genetics (formerly Invitae), Labcorp
Classification: Uncertain significance for Bardet-Biedl syndrome. Last evaluated: 2021-08-28. Review status: criteria provided, single submitter. Criteria: Invitae Variant Classification Sherloc (09022015). Collection method: clinical testing. Allele origin: germline.
Comment: This variant, c.1681_1683del, results in the deletion of 1 amino acid(s) of the BBS12 protein (p.Glu561del), but otherwise preserves the integrity of the reading frame. This variant is not present in population databases (ExAC no frequency). This variant has not been reported in the literature in individuals affected with BBS12-related conditions. ClinVar contains an entry for this variant (Variation ID: 552099). Experimental studies and prediction algorithms are not available or were not evaluated, and the functional significance of this variant is currently unknown. In summary, the available evidence is currently insufficient to determine the role of this variant in disease. Therefore, it has been classified as a Variant of Uncertain Significance.

Counsyl
Classification: Uncertain significance for Bardet-Biedl syndrome 12. Last evaluated: 2017-05-23. Review status: no assertion criteria provided. Collection method: clinical testing. Allele origin: unknown. Not counted in ClinVar's aggregate classification.